The following is an entry in ClinVar:

NM_198129.4(LAMA3):c.5047C>T (p.Arg1683Trp)

Gene: LAMA3 (laminin subunit alpha 3; plus strand). Cytogenetic location: 18q11.2.
Variant type: single nucleotide variant.
Coding change: c.5047C>T on transcript NM_198129.4 (MANE Select); coding-DNA position 5047, C replaced by T.
Protein change: p.Arg1683Trp; replaces arginine 1683 with tryptophan.
Molecular consequence: missense variant.
Genome position (GRCh38, 1-based): chr18:23,876,342, C>T. VCF-style: chr18-23876342-C-T. GRCh37 (hg19) VCF-style: chr18-21456306-C-T.
Other names: c.220C>T, p.Arg74Trp (NM_000227.6, NM_001127718.4); c.5047C>T, p.Arg1683Trp (NM_001127717.4); short protein forms R1683W, R74W.
Identifiers: ClinVar variation 2073273 (VCV002073273.28), dbSNP rs200944147, ClinGen allele CA8915871.

ClinVar aggregate classification (germline): Likely benign. Review status: criteria provided, multiple submitters, no conflicts (2 of 4 stars). 2 submissions from 2 submitters: Likely benign (2). Last evaluated 2024-11-22.

Allele frequency attached by ClinVar (database versions not stated): gnomAD exomes 0.00004; ExAC 0.00008; ESP Exome Variant Server 0.00023; gnomAD 0.00023; TOPMed 0.00025.
gnomAD v4.1: 90 of 1,613,936 alleles (0.0056%); highest among the groups gnomAD compares: African/African-American, 0.057%; no homozygotes.

Submissions (2):

Labcorp Genetics (formerly Invitae), Labcorp
Classification: Likely benign. Last evaluated: 2024-11-22. Review status: criteria provided, single submitter. Criteria: Invitae Variant Classification Sherloc (09022015). Collection method: clinical testing. Allele origin: germline.

CeGaT Center for Human Genetics Tuebingen
Classification: Likely benign. Last evaluated: 2023-05-01. Review status: criteria provided, single submitter. Criteria: CeGaT Center For Human Genetics Tuebingen Variant Classification Criteria Version 2. Collection method: clinical testing. Allele origin: germline. Affected: yes. Observed: 1 variant allele.
Comment: LAMA3: BP4